The following is an entry in ClinVar:

NM_005026.5(PIK3CD):c.2194C>G (p.Gln732Glu)

Gene: PIK3CD (phosphatidylinositol-4,5-bisphosphate 3-kinase catalytic subunit delta; plus strand). Cytogenetic location: 1p36.22.
Variant type: single nucleotide variant.
Coding change: c.2194C>G on transcript NM_005026.5 (MANE Select); coding-DNA position 2194, C replaced by G.
Protein change: p.Gln732Glu; replaces glutamine 732 with glutamic acid.
Molecular consequence: missense variant.
Genome position (GRCh38, 1-based): chr1:9,722,113, C>G. VCF-style: chr1-9722113-C-G. GRCh37 (hg19) VCF-style: chr1-9782171-C-G.
Other names: c.2191C>G, p.Gln731Glu (NM_001350234.2); c.2107C>G, p.Gln703Glu (NM_001350235.1); short protein forms Q703E, Q731E, Q732E.
Identifiers: ClinVar variation 948975 (VCV000948975.10), dbSNP rs376114835, ClinGen allele CA577455.

ClinVar aggregate classification (germline): Uncertain significance (1 of 4 stars; one submission).

Conditions:
Immunodeficiency 14 (IMD14A). Also called: p110-DELTA-ACTIVATING MUTATION CAUSING SENESCENT T CELLS, LYMPHADENOPATHY, AND IMMUNODEFICIENCY; Activated PI3K Delta Syndrome Type 1 (APDS1); IMMUNODEFICIENCY 14A WITH LYMPHOPROLIFERATION, AUTOSOMAL DOMINANT; ACTIVATED PI3K-DELTA SYNDROME 1. Identifiers: Orphanet 397596, Orphanet 693661, MedGen C5907821, MONDO:0014222, OMIM 615513.

Allele frequency attached by ClinVar (database versions not stated): TOPMed 0.00002; ESP Exome Variant Server 0.00008; ExAC 0.00001; gnomAD 0.00001; gnomAD exomes 0.00001.
gnomAD v4.1: 4 of 1,613,252 alleles (0.00025%); highest among the groups gnomAD compares: Non-Finnish European, 0.00034%; no homozygotes.

Submission:

Labcorp Genetics (formerly Invitae), Labcorp
Classification: Uncertain significance for Activated PI3K-delta syndrome. Last evaluated: 2023-03-17. Review status: criteria provided, single submitter. Criteria: Invitae Variant Classification Sherloc (09022015). Collection method: clinical testing. Allele origin: germline.
Comment: In summary, the available evidence is currently insufficient to determine the role of this variant in disease. Therefore, it has been classified as a Variant of Uncertain Significance. This variant is present in population databases (rs376114835, gnomAD 0.0009%). This variant has not been reported in the literature in individuals affected with PIK3CD-related conditions. ClinVar contains an entry for this variant (Variation ID: 948975). Advanced modeling of protein sequence and biophysical properties (such as structural, functional, and spatial information, amino acid conservation, physicochemical variation, residue mobility, and thermodynamic stability) performed at Invitae indicates that this missense variant is not expected to disrupt PIK3CD protein function. This sequence change replaces glutamine, which is neutral and polar, with glutamic acid, which is acidic and polar, at codon 732 of the PIK3CD protein (p.Gln732Glu).